The following is an entry in ClinVar:

NM_000089.4(COL1A2):c.98G>T (p.Gly33Val)

Gene: COL1A2 (collagen type I alpha 2 chain; plus strand). Cytogenetic location: 7q21.3.
Variant type: single nucleotide variant.
Coding change: c.98G>T on transcript NM_000089.4 (MANE Select); coding-DNA position 98, G replaced by T.
Protein change: p.Gly33Val; replaces glycine 33 with valine.
Molecular consequence: missense variant.
Genome position (GRCh38, 1-based): chr7:94,399,050, G>T. VCF-style: chr7-94399050-G-T. GRCh37 (hg19) VCF-style: chr7-94028362-G-T.
Other names: short protein forms G33V.
Identifiers: ClinVar variation 2954296 (VCV002954296.5), dbSNP rs1791635510, ClinGen allele CA368219031.

ClinVar aggregate classification (germline): Uncertain significance. Review status: criteria provided, multiple submitters, no conflicts (2 of 4 stars). 3 submissions from 3 submitters: Uncertain significance (3). Last evaluated 2026-02-13.

Conditions:
Osteogenesis imperfecta type I (OI1). Also called: Lobstein disease; OI, TYPE I; OSTEOGENESIS IMPERFECTA TARDA; OSTEOGENESIS IMPERFECTA WITH BLUE SCLERAE; Osteogenesis imperfecta type 1; Lobstein's Disease. Identifiers: Orphanet 216796, Orphanet 666, MedGen C0023931, MONDO:0008146, OMIM 166200. Disease mechanism: loss of function.
Ehlers-Danlos syndrome, classic type, 1 (EDSCL1). Also called: EDS I; EHLERS-DANLOS SYNDROME, GRAVIS TYPE; EHLERS-DANLOS SYNDROME, SEVERE CLASSIC TYPE; Ehlers-Danlos syndrome, type 1; Ehlers-Danlos Syndrome, Classic Type, COL5A1-Related. Identifiers: MedGen C0268335, MONDO:0019567, OMIM 130000.
Cardiovascular phenotype. Identifiers: MedGen CN230736.
Ehlers-Danlos syndrome, arthrochalasia type, 2. Also called: EHLERS-DANLOS SYNDROME, TYPE VIIB, AUTOSOMAL DOMINANT. Identifiers: MedGen CN293783, MONDO:0040501, OMIM 617821.

Allele frequency attached by ClinVar (database versions not stated): gnomAD exomes below 0.00001.
gnomAD v4.1: 2 of 1,613,534 alleles (0.00012%); highest among the groups gnomAD compares: Non-Finnish European, 0.00017%; no homozygotes.

Submissions (3):

Ambry Genetics
Classification: Uncertain significance for Cardiovascular phenotype. Last evaluated: 2026-02-13. Review status: criteria provided, single submitter. Criteria: Ambry Variant Classification Scheme 2023. Collection method: clinical testing. Allele origin: germline.
Comment: The p.G33V variant (also known as c.98G>T), located in coding exon 4 of the COL1A2 gene, results from a G to T substitution at nucleotide position 98. The glycine at codon 33 is replaced by valine, an amino acid with dissimilar properties. This amino acid position is conserved. In addition, this alteration is predicted to be deleterious by in silico analysis. Based on the available evidence, the clinical significance of this variant remains unclear.

3billion
Classification: Uncertain significance for Ehlers-Danlos syndrome, arthrochalasia type, 2. Last evaluated: 2025-07-24. Review status: criteria provided, single submitter. Criteria: ACMG Guidelines, 2015. Collection method: clinical testing. Allele origin: germline. Affected: yes.
Comment: The variant is observed at an extremely low frequency in the gnomAD v4.1.0 dataset (total allele frequency: <0.001%). Predicted Consequence/Location: Missense variant. Missense changes are a common disease-causing mechanism. In silico tool predictions suggest damaging effect of the variant on gene or gene product [REVEL: 0.97 (>=0.6, sensitivity 0.68 and specificity 0.92)]. The variant has been reported as of uncertain significance (ClinVar ID: VCV002954296). Therefore, this variant is classified as VUS according to the recommendation of ACMG/AMP guideline.

Labcorp Genetics (formerly Invitae), Labcorp
Classification: Uncertain significance for Osteogenesis imperfecta type I; Ehlers-Danlos syndrome, classic type, 1. Last evaluated: 2023-11-28. Review status: criteria provided, single submitter. Criteria: Invitae Variant Classification Sherloc (09022015). Collection method: clinical testing. Allele origin: germline.
Comment: This sequence change replaces glycine, which is neutral and non-polar, with valine, which is neutral and non-polar, at codon 33 of the COL1A2 protein (p.Gly33Val). This variant is not present in population databases (gnomAD no frequency). This variant has not been reported in the literature in individuals affected with COL1A2-related conditions. Experimental studies and prediction algorithms are not available or were not evaluated, and the functional significance of this variant is currently unknown. In summary, the available evidence is currently insufficient to determine the role of this variant in disease. Therefore, it has been classified as a Variant of Uncertain Significance.